The following is an entry in ClinVar:

ClinVar aggregate classification (germline): Benign (1 of 4 stars; one submission).

Submission:

GeneDx
Classification: Benign. Last evaluated: 2018-06-14. Review status: criteria provided, single submitter. Criteria: GeneDx Variant Classification (06012015). Collection method: clinical testing. Allele origin: germline. Affected: yes.
Comment: This variant is considered likely benign or benign based on one or more of the following criteria: it is a conservative change, it occurs at a poorly conserved position in the protein, it is predicted to be benign by multiple in silico algorithms, and/or has population frequency not consistent with disease.

NM_003477.2(PDHX):c.-131_-129delGGC

Gene: PDHX (pyruvate dehydrogenase complex component X; plus strand). Cytogenetic location: 11p13.
Variant type: Deletion.
Coding change: c.-131_-129delGGC on transcript NM_003477.2; 131 bases upstream of the start codon through 129 bases upstream of the start codon, GGC deleted.
Molecular consequence: intron variant (on NM_001135024.2).
Genome position: GRCh38 VCF-style: chr11-34916524-GGGC-G. GRCh37 (hg19) VCF-style: chr11-34938071-GGGC-G.
Other names: c.-21+41_-21+43del (NM_001135024.2).
Identifiers: ClinVar variation 304456 (VCV000304456.8), dbSNP rs371074122, ClinGen allele CA5945681.